The following is an entry in ClinVar:

ClinVar aggregate classification (germline): Uncertain significance (1 of 4 stars; one submission).

Submission:

Labcorp Genetics (formerly Invitae), Labcorp
Classification: Uncertain significance. Last evaluated: 2022-05-18. Review status: criteria provided, single submitter. Criteria: Invitae Variant Classification Sherloc (09022015). Collection method: clinical testing. Allele origin: germline.
Comment: Algorithms developed to predict the effect of missense changes on protein structure and function are either unavailable or do not agree on the potential impact of this missense change (SIFT: "Deleterious"; PolyPhen-2: "Probably Damaging"; Align-GVGD: "Class C0"). This variant has not been reported in the literature in individuals affected with CACNA1D-related conditions. This variant is not present in population databases (gnomAD no frequency). This sequence change replaces serine, which is neutral and polar, with asparagine, which is neutral and polar, at codon 706 of the CACNA1D protein (p.Ser706Asn). In summary, the available evidence is currently insufficient to determine the role of this variant in disease. Therefore, it has been classified as a Variant of Uncertain Significance.

NM_001128840.3(CACNA1D):c.2057G>A (p.Ser686Asn)

Gene: CACNA1D (calcium voltage-gated channel subunit alpha1 D; plus strand). Cytogenetic location: 3p21.1.
Variant type: single nucleotide variant.
Coding change: c.2057G>A on transcript NM_001128840.3 (MANE Select); coding-DNA position 2057, G replaced by A.
Protein change: p.Ser686Asn; replaces serine 686 with asparagine.
Molecular consequence: missense variant.
Genome position (GRCh38, 1-based): chr3:53,723,956, G>A. VCF-style: chr3-53723956-G-A. GRCh37 (hg19) VCF-style: chr3-53757983-G-A.
Other names: c.2117G>A, p.Ser706Asn (NM_000720.4); c.2057G>A, p.Ser686Asn (NM_001128839.3); short protein forms S686N, S706N.
Identifiers: ClinVar variation 1995962 (VCV001995962.4), dbSNP rs2473701241, ClinGen allele CA353238217.